The following is an entry in ClinVar:

ClinVar aggregate classification (germline): Uncertain significance. Review status: criteria provided, multiple submitters, no conflicts (2 of 4 stars). 2 submissions from 2 submitters: Uncertain significance (2). Last evaluated 2025-10-25.

gnomAD v4.1: 15 of 1,613,598 alleles (0.00093%); highest among the groups gnomAD compares: East Asian, 0.0022%; no homozygotes.

Submissions (2):

Labcorp Genetics (formerly Invitae), Labcorp
Classification: Uncertain significance. Last evaluated: 2025-10-25. Review status: criteria provided, single submitter. Criteria: Invitae Variant Classification Sherloc (09022015). Collection method: clinical testing. Allele origin: germline.
Comment: This sequence change replaces glycine, which is neutral and non-polar, with serine, which is neutral and polar, at codon 99 of the TNFAIP3 protein (p.Gly99Ser). This variant also falls at the last nucleotide of exon 2, which is part of the consensus splice site for this exon. This variant is present in population databases (rs765940525, gnomAD 0.004%). This variant has not been reported in the literature in individuals affected with TNFAIP3-related conditions. ClinVar contains an entry for this variant (Variation ID: 4085821). An algorithm developed to predict the effect of missense changes on protein structure and function (PolyPhen-2) suggests that this variant is likely to be disruptive. Variants that disrupt the consensus splice site are a relatively common cause of aberrant splicing (PMID: 17576681, 9536098). In summary, the available evidence is currently insufficient to determine the role of this variant in disease. Therefore, it has been classified as a Variant of Uncertain Significance.

CeGaT Center for Human Genetics Tuebingen
Classification: Uncertain significance. Last evaluated: 2025-08-01. Review status: criteria provided, single submitter. Criteria: CeGaT Center For Human Genetics Tuebingen Variant Classification Criteria Version 2. Collection method: clinical testing. Allele origin: germline. Affected: yes. Observed: 1 variant allele.

Literature cited by the submitters: PubMed 17576681 (cited by Labcorp Genetics (formerly Invitae), Labcorp); PubMed 9536098 (cited by Labcorp Genetics (formerly Invitae), Labcorp).

NM_001270508.2(TNFAIP3):c.295G>A (p.Gly99Ser)

Gene: TNFAIP3 (TNF alpha induced protein 3; plus strand). Cytogenetic location: 6q23.3.
Variant type: single nucleotide variant.
Coding change: c.295G>A on transcript NM_001270508.2 (MANE Select); coding-DNA position 295, G replaced by A.
Protein change: p.Gly99Ser; replaces glycine 99 with serine.
Molecular consequence: missense variant.
Genome position (GRCh38, 1-based): chr6:137,871,522, G>A. VCF-style: chr6-137871522-G-A. GRCh37 (hg19) VCF-style: chr6-138192659-G-A.
Other names: c.295G>A, p.Gly99Ser (NM_001270507.2, NM_006290.4); short protein forms G99S.
Identifiers: ClinVar variation 4085821 (VCV004085821.9).